The following is an entry in ClinVar:

NM_004525.3(LRP2):c.507T>A (p.Asp169Glu)

Gene: LRP2 (LDL receptor related protein 2; minus strand). Cytogenetic location: 2q31.1.
Variant type: single nucleotide variant.
Coding change: c.507T>A on transcript NM_004525.3 (MANE Select); coding-DNA position 507, T replaced by A.
Protein change: p.Asp169Glu; replaces aspartic acid 169 with glutamic acid.
Molecular consequence: missense variant.
Genome position (GRCh38, 1-based): chr2:169,294,631, A>T on the plus strand (T>A on the coding strand, the complement: LRP2 is on the minus strand). VCF-style: chr2-169294631-A-T. GRCh37 (hg19) VCF-style: chr2-170151141-A-T.
Other names: short protein forms D169E.
Identifiers: ClinVar variation 1393843 (VCV001393843.8), dbSNP rs2105472947, ClinGen allele CA349163909.

ClinVar aggregate classification (germline): Uncertain significance (1 of 4 stars; one submission).

Submission:

Labcorp Genetics (formerly Invitae), Labcorp
Classification: Uncertain significance. Last evaluated: 2021-05-08. Review status: criteria provided, single submitter. Criteria: Invitae Variant Classification Sherloc (09022015). Collection method: clinical testing. Allele origin: germline.
Comment: In summary, the available evidence is currently insufficient to determine the role of this variant in disease. Therefore, it has been classified as a Variant of Uncertain Significance. Advanced modeling of protein sequence and biophysical properties (such as structural, functional, and spatial information, amino acid conservation, physicochemical variation, residue mobility, and thermodynamic stability) performed at Invitae indicates that this missense variant is expected to disrupt LRP2 protein function. This variant has not been reported in the literature in individuals with LRP2-related conditions. This variant is not present in population databases (ExAC no frequency). This sequence change replaces aspartic acid with glutamic acid at codon 169 of the LRP2 protein (p.Asp169Glu). The aspartic acid residue is moderately conserved and there is a small physicochemical difference between aspartic acid and glutamic acid.